The following is an entry in ClinVar:

NM_002506.3(NGF):c.-120C>T

Genes: NGF (nerve growth factor; minus strand), NGF-AS1 (NGF antisense RNA 1; plus strand). Cytogenetic location: 1p13.2.
Variant type: single nucleotide variant.
Coding change: c.-120C>T on transcript NM_002506.3 (MANE Select); 120 bases upstream of the start codon, C replaced by T.
Molecular consequence: 5 prime UTR variant.
Genome position (GRCh38, 1-based): chr1:115,293,734, G>A on the plus strand (C>T on the coding strand, the complement: NGF is on the minus strand). VCF-style: chr1-115293734-G-A. GRCh37 (hg19) VCF-style: chr1-115836355-G-A.
Identifiers: ClinVar variation 386971 (VCV000386971.1), dbSNP rs1045344879, ClinGen allele CA16603399.

ClinVar aggregate classification (germline): Likely benign (1 of 4 stars; one submission).

Allele frequency attached by ClinVar (database versions not stated): gnomAD 0.00001 and 0.00002; TOPMed 0.00003.

Submission:

GeneDx
Classification: Likely benign. Last evaluated: 2016-06-21. Review status: criteria provided, single submitter. Criteria: GeneDx Variant Classification (06012015). Collection method: clinical testing. Allele origin: germline. Affected: yes.
Comment: This variant is considered likely benign or benign based on one or more of the following criteria: it is a conservative change, it occurs at a poorly conserved position in the protein, it is predicted to be benign by multiple in silico algorithms, and/or has population frequency not consistent with disease.